The following is an entry in ClinVar:

ClinVar aggregate classification (germline): Likely benign (1 of 4 stars; one submission).

Submission:

GeneDx
Classification: Likely benign. Last evaluated: 2018-03-01. Review status: criteria provided, single submitter. Criteria: GeneDx Variant Classification (06012015). Collection method: clinical testing. Allele origin: germline. Affected: yes.
Comment: This variant is considered likely benign or benign based on one or more of the following criteria: it is a conservative change, it occurs at a poorly conserved position in the protein, it is predicted to be benign by multiple in silico algorithms, and/or has population frequency not consistent with disease.

NM_001164508.2(NEB):c.16392+16_16392+17insG

Gene: NEB (nebulin; minus strand). Cytogenetic location: 2q23.3.
Variant type: Insertion.
Coding change: c.16392+16_16392+17insG on transcript NM_001164508.2 (MANE Select); bases 16 to 17 of the intron after coding-DNA position 16392, G inserted.
Molecular consequence: intron variant.
Genome position: GRCh38 VCF-style: chr2-151580780-G-GC. GRCh37 (hg19) VCF-style: chr2-152437294-G-GC.
Other names: c.11602-4427_11602-4426insG (NM_004543.5); c.16392+16_16392+17insG (NM_001164507.2, NM_001271208.2).
Identifiers: ClinVar variation 419898 (VCV000419898.1), dbSNP rs1064794175, ClinGen allele CA16617242.